The following is an entry in ClinVar:

NM_003055.3(SLC18A3):c.454G>T (p.Asp152Tyr)

Genes: CHAT (choline O-acetyltransferase; plus strand), SLC18A3 (solute carrier family 18 member A3; plus strand). Cytogenetic location: 10q11.23.
Variant type: single nucleotide variant.
Coding change: c.454G>T on transcript NM_003055.3 (MANE Select); coding-DNA position 454, G replaced by T.
Protein change: p.Asp152Tyr; replaces aspartic acid 152 with tyrosine.
Molecular consequence: missense variant. On other transcripts: intron variant (1).
Genome position (GRCh38, 1-based): chr10:49,611,194, G>T. VCF-style: chr10-49611194-G-T. GRCh37 (hg19) VCF-style: chr10-50819240-G-T.
Other names: c.-69+1995G>T (NM_020984.4); short protein forms D152Y.
Identifiers: ClinVar variation 1995534 (VCV001995534.4), dbSNP rs774445891, ClinGen allele CA5496767.

ClinVar aggregate classification (germline): Uncertain significance (1 of 4 stars; one submission).

Allele frequency attached by ClinVar (database versions not stated): gnomAD exomes below 0.00001; ExAC 0.00001.
gnomAD v4.1: 1 of 1,614,092 alleles (0.000062%); highest among the groups gnomAD compares: Admixed American, 0.0017%; no homozygotes.

Submission:

Labcorp Genetics (formerly Invitae), Labcorp
Classification: Uncertain significance. Last evaluated: 2022-05-17. Review status: criteria provided, single submitter. Criteria: Invitae Variant Classification Sherloc (09022015). Collection method: clinical testing. Allele origin: germline.
Comment: This sequence change replaces aspartic acid, which is acidic and polar, with tyrosine, which is neutral and polar, at codon 152 of the SLC18A3 protein (p.Asp152Tyr). The frequency data for this variant in the population databases is considered unreliable, as metrics indicate poor data quality at this position in the gnomAD database. This variant has not been reported in the literature in individuals affected with SLC18A3-related conditions. Algorithms developed to predict the effect of missense changes on protein structure and function (SIFT, PolyPhen-2, Align-GVGD) all suggest that this variant is likely to be disruptive. In summary, the available evidence is currently insufficient to determine the role of this variant in disease. Therefore, it has been classified as a Variant of Uncertain Significance.